The following is an entry in ClinVar:

ClinVar aggregate classification (germline): Uncertain significance (1 of 4 stars; one submission).

Conditions:
RNF213-related disorder. Also called: RNF213-related condition.

Submission:

PreventionGenetics, part of Exact Sciences
Classification: Uncertain significance for RNF213-related condition. Last evaluated: 2025-06-23. Review status: criteria provided, single submitter. Criteria: ACMG Guidelines, 2015. Collection method: clinical testing. Allele origin: germline.
Comment: The RNF213 c.3489G>A variant is predicted to result in the amino acid substitution p.Met1163Ile. To our knowledge, this variant has not been reported in the literature or in a large population database (gnomAD), indicating this variant is rare. At this time, the clinical significance of this variant is uncertain due to the absence of conclusive functional and genetic evidence.

NM_001256071.3(RNF213):c.3489G>A (p.Met1163Ile)

Gene: RNF213 (ring finger protein 213; plus strand). Cytogenetic location: 17q25.3.
Variant type: single nucleotide variant.
Coding change: c.3489G>A on transcript NM_001256071.3 (MANE Select); coding-DNA position 3489, G replaced by A.
Protein change: p.Met1163Ile; replaces methionine 1163 with isoleucine.
Molecular consequence: missense variant.
Genome position (GRCh38, 1-based): chr17:80,328,449, G>A. VCF-style: chr17-80328449-G-A. GRCh37 (hg19) VCF-style: chr17-78302249-G-A.
Other names: c.3636G>A, p.Met1212Ile (NM_001410195.1, NM_020914.5); short protein forms M1163I, M1212I.
Identifiers: ClinVar variation 4985453 (VCV004985453.1).